The following is an entry in ClinVar:

NM_001080421.3(UNC13A):c.2112G>A (p.Gln704=)

Gene: UNC13A (unc-13 homolog A; minus strand). Cytogenetic location: 19p13.11.
Variant type: single nucleotide variant.
Coding change: c.2112G>A on transcript NM_001080421.3 (MANE Select); coding-DNA position 2112, G replaced by A.
Protein change: p.Gln704=; no amino-acid change (glutamine 704 retained).
Molecular consequence: synonymous variant.
Genome position (GRCh38, 1-based): chr19:17,646,044, C>T on the plus strand (G>A on the coding strand, the complement: UNC13A is on the minus strand). VCF-style: chr19-17646044-C-T. GRCh37 (hg19) VCF-style: chr19-17756853-C-T.
Other names: c.2106G>A, p.Gln702= (NM_001387021.1, NM_001387022.1, NM_001387023.1).
Identifiers: ClinVar variation 3052129 (VCV003052129.2), dbSNP rs2513065255, ClinGen allele CA505999928.

ClinVar aggregate classification (germline): Likely benign (0 of 4 stars; one submission).

Conditions:
UNC13A-related disorder. Also called: UNC13A-related condition.

Submission:

PreventionGenetics, part of Exact Sciences
Classification: Likely benign for UNC13A-related condition. Last evaluated: 2022-12-28. Review status: no assertion criteria provided. Collection method: clinical testing. Allele origin: germline.
Comment: This variant is classified as likely benign based on ACMG/AMP sequence variant interpretation guidelines (Richards et al. 2015 PMID: 25741868, with internal and published modifications).